The following is an entry in ClinVar:

ClinVar aggregate classification (germline): Uncertain significance (1 of 4 stars; one submission).

Conditions:
Cardiovascular phenotype. Identifiers: MedGen CN230736.
Hereditary cancer-predisposing syndrome. Also called: Neoplastic Syndromes, Hereditary; Tumor predisposition; Hereditary Cancer Syndrome; Hereditary neoplastic syndrome. Identifiers: Orphanet 140162, MedGen C0027672, MeSH D009386, MONDO:0015356.

Submission:

Ambry Genetics
Classification: Uncertain significance for Cardiovascular phenotype; Hereditary cancer-predisposing syndrome. Last evaluated: 2025-09-23. Review status: criteria provided, single submitter. Criteria: Ambry Variant Classification Scheme 2023. Collection method: clinical testing. Allele origin: germline.
Comment: The p.L1712V variant (also known as c.5134T>G), located in coding exon 36 of the NF1 gene, results from a T to G substitution at nucleotide position 5134. The leucine at codon 1712 is replaced by valine, an amino acid with highly similar properties. This amino acid position is conserved. In addition, this alteration is predicted to be tolerated by in silico analysis. Based on the available evidence, the clinical significance of this variant remains unclear.

NM_001042492.3(NF1):c.5197T>G (p.Leu1733Val)

Gene: NF1 (neurofibromin 1; plus strand). Cytogenetic location: 17q11.2.
Variant type: single nucleotide variant.
Coding change: c.5197T>G on transcript NM_001042492.3 (MANE Select); coding-DNA position 5197, T replaced by G.
Protein change: p.Leu1733Val; replaces leucine 1733 with valine.
Molecular consequence: missense variant.
Genome position (GRCh38, 1-based): chr17:31,326,181, T>G. VCF-style: chr17-31326181-T-G. GRCh37 (hg19) VCF-style: chr17-29653199-T-G.
Other names: c.5134T>G, p.Leu1712Val (NM_000267.4); short protein forms L1733V, L1712V.
Identifiers: ClinVar variation 4615728 (VCV004615728.1).